The following is an entry in ClinVar:

NM_021927.3(GUF1):c.40G>C (p.Ala14Pro)

Genes: GUF1 (GTP binding elongation factor GUF1; plus strand), LOC129992541 (ATAC-STARR-seq lymphoblastoid silent region 15397; plus strand). Cytogenetic location: 4p12.
Variant type: single nucleotide variant.
Coding change: c.40G>C on transcript NM_021927.3 (MANE Select); coding-DNA position 40, G replaced by C.
Protein change: p.Ala14Pro; replaces alanine 14 with proline.
Molecular consequence: missense variant. On other transcripts: 5 prime UTR variant (2).
Genome position (GRCh38, 1-based): chr4:44,678,662, G>C. VCF-style: chr4-44678662-G-C. GRCh37 (hg19) VCF-style: chr4-44680679-G-C.
Other names: c.-929G>C (NM_001345867.2); c.40G>C, p.Ala14Pro (NM_001345868.2); c.-821G>C (NM_001345869.2); short protein forms A14P.
Identifiers: ClinVar variation 1362212 (VCV001362212.8), dbSNP rs1374506568, ClinGen allele CA356759874.

ClinVar aggregate classification (germline): Uncertain significance (1 of 4 stars; one submission).

Submission:

Labcorp Genetics (formerly Invitae), Labcorp
Classification: Uncertain significance. Last evaluated: 2022-02-05. Review status: criteria provided, single submitter. Criteria: Invitae Variant Classification Sherloc (09022015). Collection method: clinical testing. Allele origin: germline.
Comment: This sequence change replaces alanine, which is neutral and non-polar, with proline, which is neutral and non-polar, at codon 14 of the GUF1 protein (p.Ala14Pro). This variant is not present in population databases (gnomAD no frequency). This variant has not been reported in the literature in individuals affected with GUF1-related conditions. Algorithms developed to predict the effect of missense changes on protein structure and function are either unavailable or do not agree on the potential impact of this missense change (SIFT: "Tolerated"; PolyPhen-2: "Possibly Damaging"; Align-GVGD: "Class C0"). In summary, the available evidence is currently insufficient to determine the role of this variant in disease. Therefore, it has been classified as a Variant of Uncertain Significance.